The following is an entry in ClinVar:

NM_173354.5(SIK1):c.2062C>T (p.Pro688Ser)

Gene: SIK1 (salt inducible kinase 1; minus strand). Cytogenetic location: 21q22.3.
Variant type: single nucleotide variant.
Coding change: c.2062C>T on transcript NM_173354.5 (MANE Select); coding-DNA position 2062, C replaced by T.
Protein change: p.Pro688Ser; replaces proline 688 with serine.
Molecular consequence: missense variant.
Genome position (GRCh38, 1-based): chr21:43,417,032, G>A on the plus strand (C>T on the coding strand, the complement: SIK1 is on the minus strand). VCF-style: chr21-43417032-G-A. GRCh37 (hg19) VCF-style: chr21-44836912-G-A.
Other names: short protein forms P688S.
Identifiers: ClinVar variation 2811726 (VCV002811726.3), dbSNP rs549619122, ClinGen allele CA410606729.
Genomic context (GRCh38, chr21:43,417,032, plus strand): 5'-GCGGGAGCCCCGACGTGAGGAGGGTGCTGGGGAGCGGGGCAGCCCCAGGGCCATCACAGG[G>A]GGCGATCACAAACGGGGCAGGGGCCGGCTGGGGGGCCTGGGAGCAGCCGGGTGCAGCGGC-3'
Protein context (NP_775490.2, residues 678-698): QPAPAPFVIA[Pro688Ser]CDGPGAAPLP

ClinVar aggregate classification (germline): Uncertain significance (1 of 4 stars; one submission).

Conditions:
Developmental and epileptic encephalopathy, 30 (DEE30). Also called: Epileptic encephalopathy, early infantile, 30. Identifiers: MedGen C4225360, MONDO:0014595, OMIM 616341.

Submission:

Labcorp Genetics (formerly Invitae), Labcorp
Classification: Uncertain significance for Developmental and epileptic encephalopathy, 30. Last evaluated: 2023-09-10. Review status: criteria provided, single submitter. Criteria: Invitae Variant Classification Sherloc (09022015). Collection method: clinical testing. Allele origin: germline.
Comment: This variant has not been reported in the literature in individuals affected with SIK1-related conditions. This variant is not present in population databases (gnomAD no frequency). This sequence change replaces proline, which is neutral and non-polar, with serine, which is neutral and polar, at codon 688 of the SIK1 protein (p.Pro688Ser). Advanced modeling of protein sequence and biophysical properties (such as structural, functional, and spatial information, amino acid conservation, physicochemical variation, residue mobility, and thermodynamic stability) performed at Invitae indicates that this missense variant is not expected to disrupt SIK1 protein function. In summary, the available evidence is currently insufficient to determine the role of this variant in disease. Therefore, it has been classified as a Variant of Uncertain Significance.